The following is an entry in ClinVar:

NM_001352754.2(ARMC9):c.1474G>A (p.Gly492Arg)

Gene: ARMC9 (armadillo repeat containing 9; plus strand). Cytogenetic location: 2q37.1.
Variant type: single nucleotide variant.
Coding change: c.1474G>A on transcript NM_001352754.2 (MANE Select); coding-DNA position 1474, G replaced by A.
Protein change: p.Gly492Arg; replaces glycine 492 with arginine.
Molecular consequence: missense variant. On other transcripts: non-coding transcript variant (1).
Genome position (GRCh38, 1-based): chr2:231,276,775, G>A. VCF-style: chr2-231276775-G-A. GRCh37 (hg19) VCF-style: chr2-232141488-G-A.
Other names: c.1474G>A, p.Gly492Arg (NM_001271466.4, NM_001291656.2, NM_001352755.2 and 3 more transcripts); c.1375G>A, p.Gly459Arg (NM_001352757.2, NM_001352758.2); short protein forms G492R, G459R.
Identifiers: ClinVar variation 427935 (VCV000427935.8), dbSNP rs780265931, ClinGen allele CA2160329.

ClinVar aggregate classification (germline): Likely pathogenic. Review status: criteria provided, single submitter (1 of 4 stars). 5 submissions from 4 submitters: Likely pathogenic (1). 4 of the submissions do not count toward it. Last evaluated 2022-04-07.

Conditions:
Joubert syndrome 30. Identifiers: MedGen C4539937, MONDO:0033308, OMIM 617622.
ARMC9-related Joubert syndrome.
Dandy-Walker syndrome (DWS). Identifiers: Orphanet 217, MedGen C0010964, MeSH D003616, MONDO:0009072, OMIM 220200.
Joubert syndrome. Also called: JOUBERT-BOLTSHAUSER SYNDROME; Familial aplasia of the vermis; CEREBELLOPARENCHYMAL DISORDER IV. Identifiers: Orphanet 475, MedGen C5979921, MONDO:0018772.

Allele frequency attached by ClinVar (database versions not stated): gnomAD exomes below 0.00001; ExAC 0.00001; gnomAD 0.00001.
gnomAD v4.1: 2 of 1,613,852 alleles (0.00012%); highest among the groups gnomAD compares: Non-Finnish European, 0.000085%; no homozygotes.

Submissions (5):

Labcorp Genetics (formerly Invitae), Labcorp
Classification: Likely pathogenic. Last evaluated: 2022-04-07. Review status: criteria provided, single submitter. Criteria: Invitae Variant Classification Sherloc (09022015). Collection method: clinical testing. Allele origin: germline.
Comment: This sequence change replaces glycine, which is neutral and non-polar, with arginine, which is basic and polar, at codon 492 of the ARMC9 protein (p.Gly492Arg). This variant is not present in population databases (gnomAD no frequency). This missense change has been observed in individual(s) with Joubert syndrome (PMID: 28625504). In at least one individual the data is consistent with being in trans (on the opposite chromosome) from a pathogenic variant. ClinVar contains an entry for this variant (Variation ID: 427935). Algorithms developed to predict the effect of sequence changes on RNA splicing suggest that this variant may disrupt the consensus splice site. In summary, the currently available evidence indicates that the variant is pathogenic, but additional data are needed to prove that conclusively. Therefore, this variant has been classified as Likely Pathogenic.

OMIM
Classification: Pathogenic for JOUBERT SYNDROME 30. Last evaluated: 2017-08-16. Review status: no assertion criteria provided. Collection method: literature only. Allele origin: germline. Not counted in ClinVar's aggregate classification.

UW Hindbrain Malformation Research Program, University of Washington
Classification: Pathogenic for ARMC9-related Joubert syndrome. Last evaluated: 2017-05-01. Review status: no assertion criteria provided. Collection method: research. Allele origin: maternal. Affected: yes. Not counted in ClinVar's aggregate classification.

University of Washington Center for Mendelian Genomics, University of Washington
Classification: Likely pathogenic for Joubert Syndrome. Review status: no assertion criteria provided. Collection method: research. Allele origin: inherited. Affected: yes. Not counted in ClinVar's aggregate classification.

University of Washington Center for Mendelian Genomics, University of Washington
Classification: Likely pathogenic for Dandy-Walker malformation. Review status: no assertion criteria provided. Collection method: research. Allele origin: inherited. Affected: yes. Not counted in ClinVar's aggregate classification.

Literature cited by the submitters: PubMed 28625504 (cited by 3 submitters); PubMed 31474318 (cited by University of Washington Center for Mendelian Genomics, University of Washington).